The following is an entry in ClinVar:

NM_018192.4(P3H2):c.1443C>G (p.Ser481Arg)

Gene: P3H2 (prolyl 3-hydroxylase 2; minus strand). Cytogenetic location: 3q28.
Variant type: single nucleotide variant.
Coding change: c.1443C>G on transcript NM_018192.4 (MANE Select); coding-DNA position 1443, C replaced by G.
Protein change: p.Ser481Arg; replaces serine 481 with arginine.
Molecular consequence: missense variant.
Genome position (GRCh38, 1-based): chr3:189,974,567, G>C on the plus strand (C>G on the coding strand, the complement: P3H2 is on the minus strand). VCF-style: chr3-189974567-G-C. GRCh37 (hg19) VCF-style: chr3-189692356-G-C.
Other names: c.900C>G, p.Ser300Arg (NM_001134418.2); short protein forms S300R, S481R.
Identifiers: ClinVar variation 1938333 (VCV001938333.5), dbSNP rs762134170, ClinGen allele CA355753979.

ClinVar aggregate classification (germline): Uncertain significance (1 of 4 stars; one submission).

gnomAD v4.1: 11 of 1,613,650 alleles (0.00068%); highest among the groups gnomAD compares: African/African-American, 0.004%; no homozygotes.

Submission:

Labcorp Genetics (formerly Invitae), Labcorp
Classification: Uncertain significance. Last evaluated: 2022-10-18. Review status: criteria provided, single submitter. Criteria: Invitae Variant Classification Sherloc (09022015). Collection method: clinical testing. Allele origin: germline.
Comment: This sequence change replaces serine, which is neutral and polar, with arginine, which is basic and polar, at codon 481 of the P3H2 protein (p.Ser481Arg). This variant is present in population databases (no rsID available, gnomAD 0.007%). This variant has not been reported in the literature in individuals affected with P3H2-related conditions. Algorithms developed to predict the effect of missense changes on protein structure and function (SIFT, PolyPhen-2, Align-GVGD) all suggest that this variant is likely to be tolerated. In summary, the available evidence is currently insufficient to determine the role of this variant in disease. Therefore, it has been classified as a Variant of Uncertain Significance.